The following is an entry in ClinVar:

ClinVar aggregate classification (germline): Uncertain significance (1 of 4 stars; one submission).

Conditions:
Alstrom syndrome (ALMS). Identifiers: Orphanet 64, MedGen C0268425, MONDO:0008763, OMIM 203800.

Allele frequency attached by ClinVar (database versions not stated): gnomAD exomes below 0.00001.
gnomAD v4.1: 2 of 1,606,196 alleles (0.00012%); highest among the groups gnomAD compares: Non-Finnish European, 0.00017%; no homozygotes.

Submission:

Labcorp Genetics (formerly Invitae), Labcorp
Classification: Uncertain significance for Alstrom syndrome. Last evaluated: 2021-05-07. Review status: criteria provided, single submitter. Criteria: Invitae Variant Classification Sherloc (09022015). Collection method: clinical testing. Allele origin: germline.
Comment: This variant is not present in population databases (ExAC no frequency). This sequence change falls in intron 22 of the ALMS1 gene. It does not directly change the encoded amino acid sequence of the ALMS1 protein. It affects a nucleotide within the consensus splice site of the intron. This variant has not been reported in the literature in individuals with ALMS1-related conditions. In summary, the available evidence is currently insufficient to determine the role of this variant in disease. Therefore, it has been classified as a Variant of Uncertain Significance. Nucleotide substitutions within the consensus splice site are a relatively common cause of aberrant splicing (PMID: 17576681, 9536098). Experimental studies and prediction algorithms are not available or were not evaluated, and the effect of this variant on mRNA splicing is currently unknown.

Literature cited by the submitters: PubMed 17576681; PubMed 9536098.

NM_001378454.1(ALMS1):c.12462+6T>C

Gene: ALMS1 (ALMS1 centrosome and basal body associated protein; plus strand). Cytogenetic location: 2p13.1.
Variant type: single nucleotide variant.
Coding change: c.12462+6T>C on transcript NM_001378454.1 (MANE Select); 6 bases into the intron after coding-DNA position 12462, T replaced by C.
Molecular consequence: intron variant.
Genome position (GRCh38, 1-based): chr2:73,608,580, T>C. VCF-style: chr2-73608580-T-C. GRCh37 (hg19) VCF-style: chr2-73835707-T-C.
Other names: c.12462+6T>C (NM_015120.4).
Identifiers: ClinVar variation 1436167 (VCV001436167.6), dbSNP rs2104216517, ClinGen allele CA2573135812.
Genomic context (GRCh38, chr2:73,608,580, plus strand): 5'-GAAGAGAAAATCAGAATATAAGTCATACCGGCTGCGAGCCCAGCTATATAAAAAGGTCAG[T>C]GGGTCCTCTGTCTAGAGTGGGATGGATCAGGTTTATTGGCGGAAAGAGAAATGGAGAAAA-3'